The following is an entry in ClinVar:

ClinVar aggregate classification (germline): Benign/Likely benign. Review status: criteria provided, multiple submitters, no conflicts (2 of 4 stars). 16 submissions from 16 submitters: Benign (12); Likely benign (1). 3 of the submissions do not count toward it. Last evaluated 2026-02-04.

Conditions:
Cardiovascular phenotype. Identifiers: MedGen CN230736.
Sick sinus syndrome 2, autosomal dominant (SSS2). Also called: SINUS BRADYCARDIA SYNDROME, FAMILIAL, AUTOSOMAL DOMINANT; SINUS NODE DISEASE, FAMILIAL, AUTOSOMAL DOMINANT; ATRIAL FIBRILLATION WITH BRADYARRHYTHMIA; SICK SINUS SYNDROME 2; SICK SINUS SYNDROME 2 WITH OR WITHOUT CARDIAC NONCOMPACTION AND/OR ASCENDING AORTA DILATION. Identifiers: Orphanet 166282, MedGen C1834144, MONDO:0008102, OMIM 163800.
Brugada syndrome 8 (BRGDA8). Identifiers: Orphanet 130, MedGen C2751083, MONDO:0013148, OMIM 613123.

Allele frequency attached by ClinVar (database versions not stated): 1000 Genomes Project 30x 0.02639; gnomAD 0.04430 and 0.04452; gnomAD exomes 0.04726; 1000 Genomes Project 0.02496; ExAC 0.06131; ESP Exome Variant Server 0.03695; TOPMed 0.04583.

Submissions (16):

Labcorp Genetics (formerly Invitae), Labcorp
Classification: Benign for Brugada syndrome 8. Last evaluated: 2026-02-04. Review status: criteria provided, single submitter. Criteria: Invitae Variant Classification Sherloc (09022015). Collection method: clinical testing. Allele origin: germline.

Athena Diagnostics
Classification: Benign. Last evaluated: 2025-05-09. Review status: criteria provided, single submitter. Criteria: Athena Diagnostics Criteria. Collection method: clinical testing. Allele origin: unknown.
Comment: The frequency of this variant in the general population is higher than would generally be expected for pathogenic variants in this gene.

Molecular Diagnostic Laboratory for Inherited Cardiovascular Disease, Montreal Heart Institute
Classification: Benign. Last evaluated: 2025-04-09. Review status: criteria provided, single submitter. Criteria: ACMG Guidelines, 2015. Collection method: clinical testing. Allele origin: germline. Affected: no.

Blueprint Genetics
Classification: Benign. Last evaluated: 2024-11-27. Review status: criteria provided, single submitter. Criteria: ACMG Guidelines, 2015. Collection method: clinical testing. Allele origin: germline.

Women's Health and Genetics/Laboratory Corporation of America, LabCorp
Classification: Likely benign. Last evaluated: 2023-05-28. Review status: criteria provided, single submitter. Criteria: LabCorp Variant Classification Summary - May 2015. Collection method: clinical testing. Allele origin: germline.

Mayo Clinic Laboratories, Mayo Clinic
Classification: Benign. Last evaluated: 2022-04-26. Review status: criteria provided, single submitter. Criteria: ACMG Guidelines, 2015. Collection method: clinical testing. Allele origin: germline. Observed: 94 variant alleles.

Illumina Laboratory Services, Illumina
Classification: Benign for Sick sinus syndrome 2, autosomal dominant. Last evaluated: 2018-01-18. Review status: criteria provided, single submitter. Criteria: ICSL Variant Classification Criteria 13 December 2019. Collection method: clinical testing. Allele origin: germline.
Comment: This variant was observed as part of a predisposition screen in an ostensibly healthy population. A literature search was performed for the gene, cDNA change, and amino acid change (where applicable). No publications were found based on this search. Allele frequency data from public databases was too high to be consistent with this variant causing disease. Therefore, this variant is classified as benign.

Eurofins Ntd Llc (ga)
Classification: Benign. Last evaluated: 2016-04-07. Review status: criteria provided, single submitter. Criteria: EGL Classification Definitions 2015. Collection method: clinical testing. Allele origin: germline. Observed: 10 variant alleles, 10 heterozygotes.

Ambry Genetics
Classification: Benign for Cardiovascular phenotype. Last evaluated: 2015-08-01. Review status: criteria provided, single submitter. Criteria: Ambry Variant Classification Scheme 2023. Collection method: clinical testing. Allele origin: germline.

GeneDx
Classification: Benign. Last evaluated: 2014-01-23. Review status: criteria provided, single submitter. Criteria: GeneDx Variant Classification (06012015). Collection method: clinical testing. Allele origin: germline. Affected: yes.
Comment: This variant is considered likely benign or benign based on one or more of the following criteria: it is a conservative change, it occurs at a poorly conserved position in the protein, it is predicted to be benign by multiple in silico algorithms, and/or has population frequency not consistent with disease.

Biesecker Lab/Clinical Genomics Section, National Institutes of Health
Classification: Benign. Last evaluated: 2013-06-24. Review status: criteria provided, single submitter. Criteria: Ng et al. (Circ Cardiovasc Genet. 2013). Collection method: research. Allele origin: unknown. Observed: 12 variant alleles. Study: ClinSeq.
Comment: The study set was not selected for affection status in relation to any cancer. Pathogenicity categories were based on literature curation. See Pubmed ID:23861362 for details.

Medical sequencing

Breakthrough Genomics
Classification: Benign. Review status: criteria provided, single submitter. Criteria: ACMG Guidelines, 2015. Collection method: not provided. Allele origin: germline. Inheritance: Autosomal dominant inheritance. Affected: yes.

PreventionGenetics, part of Exact Sciences
Classification: Benign. Review status: criteria provided, single submitter. Criteria: ACMG Guidelines, 2015. Collection method: clinical testing. Allele origin: germline.

Clinical Genetics, Academic Medical Center
Classification: Benign. Review status: no assertion criteria provided. Collection method: clinical testing. Allele origin: germline. Affected: yes. Study: VKGL Data-share Consensus. Not counted in ClinVar's aggregate classification.

Genome Diagnostics Laboratory, University Medical Center Utrecht
Classification: Likely benign. Review status: no assertion criteria provided. Collection method: clinical testing. Allele origin: germline. Affected: yes. Study: VKGL Data-share Consensus. Not counted in ClinVar's aggregate classification.

Joint Genome Diagnostic Labs from Nijmegen and Maastricht, Radboudumc and MUMC+
Classification: Benign. Review status: no assertion criteria provided. Collection method: clinical testing. Allele origin: germline. Affected: yes. Study: VKGL Data-share Consensus. Not counted in ClinVar's aggregate classification.

Literature cited by the submitters: PubMed 28803248 (cited by Athena Diagnostics); PubMed 27553229 (cited by Athena Diagnostics).

NM_005477.3(HCN4):c.107G>A (p.Gly36Glu)

Gene: HCN4 (hyperpolarization activated cyclic nucleotide gated potassium channel 4; minus strand). Cytogenetic location: 15q24.1.
Variant type: single nucleotide variant.
Coding change: c.107G>A on transcript NM_005477.3 (MANE Select); coding-DNA position 107, G replaced by A.
Protein change: p.Gly36Glu; replaces glycine 36 with glutamic acid.
Molecular consequence: missense variant.
Genome position (GRCh38, 1-based): chr15:73,368,164, C>T on the plus strand (G>A on the coding strand, the complement: HCN4 is on the minus strand). VCF-style: chr15-73368164-C-T. GRCh37 (hg19) VCF-style: chr15-73660505-C-T.
Other names: p.G36E:GGG>GAG; short protein forms G36E.
Identifiers: ClinVar variation 137537 (VCV000137537.30), dbSNP rs143090627, ClinGen allele CA180109.